The following is an entry in ClinVar:

NM_004415.4(DSP):c.590A>T (p.Gln197Leu)

Gene: DSP (desmoplakin; plus strand). Cytogenetic location: 6p24.3.
Variant type: single nucleotide variant.
Coding change: c.590A>T on transcript NM_004415.4 (MANE Select); coding-DNA position 590, A replaced by T.
Protein change: p.Gln197Leu; replaces glutamine 197 with leucine.
Molecular consequence: missense variant.
Genome position (GRCh38, 1-based): chr6:7,559,393, A>T. VCF-style: chr6-7559393-A-T. GRCh37 (hg19) VCF-style: chr6-7559626-A-T.
Other names: c.590A>T, p.Gln197Leu (NM_001008844.3, NM_001319034.2); short protein forms Q197L.
Identifiers: ClinVar variation 1171126 (VCV001171126.3), dbSNP rs2113660072, ClinGen allele CA362672872.
Genomic context (GRCh38, chr6:7,559,393, plus strand): 5'-GCTCTGGCTGGGATGAGTTCACCAAACATGTCACCAGTGAATGTTTGGGGTGGATGAGGC[A>T]GCAAAGGGTAAGCAGCTTCTTGAACAGCCCAAACCTGTGCAGGCCAGACGTTCCAGCACG-3'
Protein context (NP_004406.2, residues 187-207): VTSECLGWMR[Gln197Leu]QRAEMDMVAW

ClinVar aggregate classification (germline): Uncertain significance (1 of 4 stars; one submission).

Conditions:
Cardiomyopathy (CMYO). Also called: Cardiomyopathies. Identifiers: Orphanet 167848, MedGen C0878544, MONDO:0004994, HP:0001638. Inheritance: Various modes of inheritance.

Submission:

Color Diagnostics, LLC DBA Color Health
Classification: Uncertain significance for Cardiomyopathy. Last evaluated: 2024-03-07. Review status: criteria provided, single submitter. Criteria: ACMG Guidelines, 2015. Collection method: clinical testing. Allele origin: germline.
Comment: This missense variant replaces glutamine with leucine at codon 197 of the DSP protein. Computational prediction suggests that this variant may have deleterious impact on protein structure and function (internally defined REVEL score threshold >= 0.7, PMID: 27666373). To our knowledge, functional studies have not been reported for this variant. This variant has not been reported in individuals affected with cardiovascular disorders in the literature. This variant has not been identified in the general population by the Genome Aggregation Database (gnomAD). The available evidence is insufficient to determine the role of this variant in disease conclusively. Therefore, this variant is classified as a Variant of Uncertain Significance.